The following is an entry in ClinVar:

ClinVar aggregate classification (germline): Uncertain significance (1 of 4 stars; one submission).

Conditions:
Inborn genetic diseases. Identifiers: MedGen C0950123, MeSH D030342.

Submission:

Ambry Genetics
Classification: Uncertain significance for Inborn genetic diseases. Last evaluated: 2026-01-17. Review status: criteria provided, single submitter. Criteria: Ambry Variant Classification Scheme 2023. Collection method: clinical testing. Allele origin: germline.
Comment: The p.D318N variant (also known as c.952G>A), located in coding exon 1 of the SAMD9L gene, results from a G to A substitution at nucleotide position 952. The aspartic acid at codon 318 is replaced by asparagine, an amino acid with highly similar properties. This amino acid position is conserved. In addition, this alteration is predicted to be tolerated by in silico analysis. Based on the available evidence, the clinical significance of this variant remains unclear.

NM_152703.5(SAMD9L):c.952G>A (p.Asp318Asn)

Gene: SAMD9L (sterile alpha motif domain containing 9 like; minus strand). Cytogenetic location: 7q21.2.
Variant type: single nucleotide variant.
Coding change: c.952G>A on transcript NM_152703.5 (MANE Select); coding-DNA position 952, G replaced by A.
Protein change: p.Asp318Asn; replaces aspartic acid 318 with asparagine.
Molecular consequence: missense variant.
Genome position (GRCh38, 1-based): chr7:93,135,020, C>T on the plus strand (G>A on the coding strand, the complement: SAMD9L is on the minus strand). VCF-style: chr7-93135020-C-T. GRCh37 (hg19) VCF-style: chr7-92764333-C-T.
Other names: c.952G>A, p.Asp318Asn (NM_001350082.2, NM_001350083.2, NM_001350084.2 and 5 more transcripts); short protein forms D318N.
Identifiers: ClinVar variation 4844799 (VCV004844799.1).